The following is an entry in ClinVar:

ClinVar aggregate classification (germline): Uncertain significance (1 of 4 stars; one submission).

Conditions:
Lymphoproliferative syndrome 1 (LPFS1). Identifiers: Orphanet 238505, Orphanet 538963, MedGen C3552634, MONDO:0013081, OMIM 613011.

Allele frequency attached by ClinVar (database versions not stated): gnomAD exomes below 0.00001.
gnomAD v4.1: 4 of 1,613,712 alleles (0.00025%); highest among the groups gnomAD compares: South Asian, 0.0044%; no homozygotes.

Submission:

Labcorp Genetics (formerly Invitae), Labcorp
Classification: Uncertain significance for Lymphoproliferative syndrome 1. Last evaluated: 2022-07-06. Review status: criteria provided, single submitter. Criteria: Invitae Variant Classification Sherloc (09022015). Collection method: clinical testing. Allele origin: germline.
Comment: In summary, the available evidence is currently insufficient to determine the role of this variant in disease. Therefore, it has been classified as a Variant of Uncertain Significance. Advanced modeling of protein sequence and biophysical properties (such as structural, functional, and spatial information, amino acid conservation, physicochemical variation, residue mobility, and thermodynamic stability) performed at Invitae indicates that this missense variant is not expected to disrupt ITK protein function. ClinVar contains an entry for this variant (Variation ID: 1008736). This sequence change replaces serine, which is neutral and polar, with asparagine, which is neutral and polar, at codon 71 of the ITK protein (p.Ser71Asn). This variant is present in population databases (no rsID available, gnomAD 0.003%). This variant has not been reported in the literature in individuals affected with ITK-related conditions.

NM_005546.4(ITK):c.212G>A (p.Ser71Asn)

Gene: ITK (IL2 inducible T cell kinase; plus strand). Cytogenetic location: 5q33.3.
Variant type: single nucleotide variant.
Coding change: c.212G>A on transcript NM_005546.4 (MANE Select); coding-DNA position 212, G replaced by A.
Protein change: p.Ser71Asn; replaces serine 71 with asparagine.
Molecular consequence: missense variant.
Genome position (GRCh38, 1-based): chr5:157,208,962, G>A. VCF-style: chr5-157208962-G-A. GRCh37 (hg19) VCF-style: chr5-156635973-G-A.
Other names: short protein forms S71N.
Identifiers: ClinVar variation 1008736 (VCV001008736.8), dbSNP rs1386860362, ClinGen allele CA361947956.